The following is an entry in ClinVar:

ClinVar aggregate classification (germline): Benign/Likely benign. Review status: criteria provided, multiple submitters, no conflicts (2 of 4 stars). 4 submissions from 4 submitters: Benign (3); Likely benign (1). Last evaluated 2026-08-01.

Conditions:
Holoprosencephaly sequence (HPE). Also called: Holoprosencephaly. Identifiers: Orphanet 2162, MedGen C0079541, MONDO:0016296, HP:0001360.

Allele frequency attached by ClinVar (database versions not stated): TOPMed 0.00090; ESP Exome Variant Server 0.00108; 1000 Genomes Project 30x 0.00109; 1000 Genomes Project 0.00140; gnomAD exomes 0.00218 and 0.00334; gnomAD 0.00276 and 0.00285; ExAC 0.00372.
gnomAD v4.1: 3,595 of 1,610,902 alleles (0.22%); highest among the groups gnomAD compares: Non-Finnish European, 0.17%; 22 homozygotes.

Submissions (4):

CeGaT Center for Human Genetics Tuebingen
Classification: Likely benign. Last evaluated: 2026-08-01. Review status: criteria provided, single submitter. Criteria: CeGaT Center For Human Genetics Tuebingen Variant Classification Criteria Version 2. Collection method: clinical testing. Allele origin: germline. Affected: yes. Observed: 3 variant alleles.
Comment: FOXH1: BP4, BP7

Labcorp Genetics (formerly Invitae), Labcorp
Classification: Benign for Holoprosencephaly sequence. Last evaluated: 2025-10-17. Review status: criteria provided, single submitter. Criteria: Invitae Variant Classification Sherloc (09022015). Collection method: clinical testing. Allele origin: germline.

Illumina Laboratory Services, Illumina
Classification: Benign for Holoprosencephaly sequence. Last evaluated: 2018-01-12. Review status: criteria provided, single submitter. Criteria: ICSL Variant Classification Criteria 13 December 2019. Collection method: clinical testing. Allele origin: germline.
Comment: This variant was observed in the ICSL laboratory as part of a predisposition screen in an ostensibly healthy population. It had not been previously curated by ICSL or reported in the Human Gene Mutation Database (HGMD: prior to June 1st, 2018), and was therefore a candidate for classification through an automated scoring system. Utilizing variant allele frequency, disease prevalence and penetrance estimates, and inheritance mode, an automated score was calculated to assess if this variant is too frequent to cause the disease. Based on the score and internal cut-off values, a variant classified as benign is not then subjected to further curation. The score for this variant resulted in a classification of benign for this disease.

Eurofins Ntd Llc (ga)
Classification: Benign. Last evaluated: 2015-02-27. Review status: criteria provided, single submitter. Criteria: EGL Classification Definitions 2015. Collection method: clinical testing. Allele origin: germline. Observed: 1 variant allele, 1 heterozygote.

NM_003923.3(FOXH1):c.783T>C (p.Pro261=)

Gene: FOXH1 (forkhead box H1; minus strand). Cytogenetic location: 8q24.3.
Variant type: single nucleotide variant.
Coding change: c.783T>C on transcript NM_003923.3 (MANE Select); coding-DNA position 783, T replaced by C.
Protein change: p.Pro261=; no amino-acid change (proline 261 retained).
Molecular consequence: synonymous variant.
Genome position (GRCh38, 1-based): chr8:144,474,553, A>G on the plus strand (T>C on the coding strand, the complement: FOXH1 is on the minus strand). VCF-style: chr8-144474553-A-G. GRCh37 (hg19) VCF-style: chr8-145699936-A-G.
Identifiers: ClinVar variation 196370 (VCV000196370.41), dbSNP rs151147114, ClinGen allele CA202337.